The following is an entry in ClinVar:

NM_005257.6(GATA6):c.1723G>C (p.Ala575Pro)

Gene: GATA6 (GATA binding protein 6; plus strand). Cytogenetic location: 18q11.2.
Variant type: single nucleotide variant.
Coding change: c.1723G>C on transcript NM_005257.6 (MANE Select); coding-DNA position 1723, G replaced by C.
Protein change: p.Ala575Pro; replaces alanine 575 with proline.
Molecular consequence: missense variant.
Genome position (GRCh38, 1-based): chr18:22,200,758, G>C. VCF-style: chr18-22200758-G-C. GRCh37 (hg19) VCF-style: chr18-19780721-G-C.
Other names: short protein forms A575P.
Identifiers: ClinVar variation 412724 (VCV000412724.20), dbSNP rs149569288, ClinGen allele CA8909078.

ClinVar aggregate classification (germline): Conflicting classifications of pathogenicity. Review status: criteria provided, conflicting classifications (1 of 4 stars). 8 submissions from 8 submitters: Uncertain risk allele (1); Likely benign (4). 3 of the submissions do not count toward it. Last evaluated 2025-12-20.

Conditions:
GATA6-related disorder. Also called: GATA6-related condition.
Monogenic diabetes. Identifiers: Orphanet 183625, MedGen C3888631, MONDO:0015967.
Atrioventricular septal defect 5 (AVSD5). Identifiers: MedGen C3280939, MONDO:0013769, OMIM 614474.
Heart defects, congenital, and other congenital anomalies. Also called: PANCREATIC HYPOPLASIA, CONGENITAL, WITH DIABETES MELLITUS AND CONGENITAL HEART DISEASE; Pancreatic hypoplasia-diabetes-congenital heart disease syndrome. Identifiers: Orphanet 2255, MedGen C2931296, MONDO:0010802, OMIM 600001.

Allele frequency attached by ClinVar (database versions not stated): gnomAD 0.00036 and 0.00039; ESP Exome Variant Server 0.00054; TOPMed 0.00045.
gnomAD v4.1: 1,075 of 1,613,836 alleles (0.067%); highest among the groups gnomAD compares: Non-Finnish European, 0.088%; no homozygotes.

Submissions (8):

Labcorp Genetics (formerly Invitae), Labcorp
Classification: Likely benign for Atrioventricular septal defect 5. Last evaluated: 2025-12-20. Review status: criteria provided, single submitter. Criteria: Invitae Variant Classification Sherloc (09022015). Collection method: clinical testing. Allele origin: germline.

Blueprint Genetics
Classification: Likely benign. Last evaluated: 2024-09-10. Review status: criteria provided, single submitter. Criteria: ACMG Guidelines, 2015. Collection method: clinical testing. Allele origin: germline.

Personalized Diabetes Medicine Program, University of Maryland School of Medicine
Classification: Likely benign for Monogenic diabetes. Last evaluated: 2017-12-21. Review status: criteria provided, single submitter. Criteria: ACMG Guidelines, 2015. Collection method: research. Allele origin: unknown. Observed: 2 variant alleles, 2 heterozygotes.
Comment: ACMG criteria: PP3 (6 predictors), BP4 (5 predictors), BS2 (139 hets in gnomAD)=Likely benign

Center for Pediatric Genomic Medicine, Children's Mercy Hospital and Clinics
Classification: Likely benign. Last evaluated: 2017-03-10. Review status: criteria provided, single submitter. Criteria: ACMG Guidelines, 2015. Collection method: clinical testing. Allele origin: germline.

Clinical Genomics, Uppaluri K&H Personalized Medicine Clinic
Classification: Uncertain risk allele for Heart defects, congenital, and other congenital anomalies. Review status: criteria provided, single submitter. Criteria: K And H Uppaluri Personalized Medicine Clinic Variant Classification And Assertion Criteria Updated V 2. Collection method: research. Allele origin: unknown. Inheritance: Autosomal dominant inheritance.
Comment: Potent mutations in GATA6 gene are associated with neonatal diabetes, decreased insulin production due to pancreatic aplasia or hypoplasia. Also associated with isolated cardiac abnormalities in children, like atrial septal defects.However no sufficient evidence is found to ascertain the role of this particular variant rs149569288 yet.

PreventionGenetics, part of Exact Sciences
Classification: Likely benign for GATA6-related condition. Last evaluated: 2022-05-02. Review status: no assertion criteria provided. Collection method: clinical testing. Allele origin: germline. Not counted in ClinVar's aggregate classification.
Comment: This variant is classified as likely benign based on ACMG/AMP sequence variant interpretation guidelines (Richards et al. 2015 PMID: 25741868, with internal and published modifications).

Joint Genome Diagnostic Labs from Nijmegen and Maastricht, Radboudumc and MUMC+
Classification: Likely benign. Review status: no assertion criteria provided. Collection method: clinical testing. Allele origin: germline. Affected: yes. Study: VKGL Data-share Consensus. Not counted in ClinVar's aggregate classification.

Laboratory of Diagnostic Genome Analysis, Leiden University Medical Center (LUMC)
Classification: Likely benign. Review status: no assertion criteria provided. Collection method: clinical testing. Allele origin: germline. Affected: yes. Study: VKGL Data-share Consensus. Not counted in ClinVar's aggregate classification.

Literature cited by the submitters: PubMed 25706805 (cited by Clinical Genomics, Uppaluri K&H Personalized Medicine Clinic); PubMed 31271559 (cited by Clinical Genomics, Uppaluri K&H Personalized Medicine Clinic); PubMed 22158542 (cited by Clinical Genomics, Uppaluri K&H Personalized Medicine Clinic); PubMed 23223019 (cited by Clinical Genomics, Uppaluri K&H Personalized Medicine Clinic).